The following is an entry in ClinVar:

NM_015015.2(KDM4B):c.781_786del

Gene: KDM4B (lysine demethylase 4B; plus strand). Cytogenetic location: 19p13.3.
Variant type: Deletion.
Coding change: c.781_786del on transcript NM_015015.2; coding-DNA positions 781 to 786, 6 bases deleted (ATCACG; older notation c.781_786delATCACG).
Genome position (GRCh38, 1-based): chr19:5,082,367-5,082,372, ATCACG deleted; deleting any 6 consecutive bases within chr19:5,082,366-5,082,372 gives the same sequence; the c. name uses the placement nearest the transcript's 3' end. VCF-style (leftmost placement, unchanged base first): chr19-5082365-AGATCAC-A. GRCh37 (hg19) VCF-style: chr19-5082376-AGATCAC-A.
Identifiers: ClinVar variation 5017880 (VCV005017880.1).

ClinVar aggregate classification (germline): Uncertain significance (1 of 4 stars; one submission).

Submission:

GeneDx
Classification: Uncertain significance. Last evaluated: 2026-04-04. Review status: criteria provided, single submitter. Criteria: GeneDx Variant Classification Process June 2021. Collection method: clinical testing. Allele origin: germline.
Comment: Has not been previously published as pathogenic or benign to our knowledge; In-frame deletion of 2 amino acid(s) in a non-repeat region; Not observed at significant frequency in large population cohorts (gnomAD); In silico analysis supports a deleterious effect on protein structure/function; In silico analysis suggests this variant may impact gene splicing. In the absence of RNA/functional studies, the actual effect of this sequence change is unknown.